The following is an entry in ClinVar:

ClinVar aggregate classification (germline): Pathogenic (1 of 4 stars; one submission).

Conditions:
Hereditary cancer-predisposing syndrome. Also called: Neoplastic Syndromes, Hereditary; Tumor predisposition; Hereditary Cancer Syndrome; Hereditary neoplastic syndrome. Identifiers: Orphanet 140162, MedGen C0027672, MeSH D009386, MONDO:0015356.

Submission:

Ambry Genetics
Classification: Pathogenic for Hereditary cancer-predisposing syndrome. Last evaluated: 2020-05-21. Review status: criteria provided, single submitter. Criteria: Ambry Variant Classification Scheme 2023. Collection method: clinical testing. Allele origin: germline.
Comment: The c.92_101del10 pathogenic mutation, located in coding exon 1 of the MSH6 gene, results from a deletion of 10 nucleotides at nucleotide positions 92 to 101, causing a translational frameshift with a predicted alternate stop codon (p.G31Afs*47). This alteration is expected to result in loss of function by premature protein truncation or nonsense-mediated mRNA decay. As such, this alteration is interpreted as a disease-causing mutation.

Literature cited by the submitters: PubMed 25203624.

NM_000179.3(MSH6):c.92_101del (p.Gly31fs)

Gene: MSH6 (mutS homolog 6; plus strand). Cytogenetic location: 2p16.3.
Variant type: Deletion.
Coding change: c.92_101del on transcript NM_000179.3 (MANE Select); coding-DNA positions 92 to 101, 10 bases deleted (GCGGCCGTGC; older notation c.92_101delGCGGCCGTGC).
Protein change: p.Gly31fs; shifts the reading frame from glycine 31.
Molecular consequence: frameshift variant. On other transcripts: 5 prime UTR variant (1).
Genome position (GRCh38, 1-based): chr2:47,783,325-47,783,334, GCGGCCGTGC deleted. VCF-style (leftmost placement, unchanged base first): chr2-47783324-GGCGGCCGTGC-G. GRCh37 (hg19) VCF-style: chr2-48010463-GGCGGCCGTGC-G.
Other names: c.92_101del10 (NM_000179.2); c.92_101del, p.Gly31fs (NM_001281492.2); c.-645_-636del (NM_001281493.2); c.92_101delGCGGCCGTGC, p.Gly31Alafs (NM_001406795.1, NM_001406796.1, NM_001406798.1 and 8 more transcripts); c.-237_-228delGCGGCCGTGC (NM_001406799.1); c.37_46delGCGGCCGTGC, p.Ala13Argfs (NM_001406804.1); c.-837_-828delGCGGCCGTGC (NM_001406807.1); c.-645_-636delGCGGCCGTGC (NM_001406811.1); and 3 more; short protein forms G31fs.
Identifiers: ClinVar variation 1766180 (VCV001766180.2), dbSNP rs2530316618, ClinGen allele CA2580066988.